The following is an entry in ClinVar:

ClinVar aggregate classification (germline): Conflicting classifications of pathogenicity. Review status: criteria provided, conflicting classifications (1 of 4 stars). 5 submissions from 5 submitters: Uncertain significance (3); Likely benign (2). Last evaluated 2026-01-25.

Conditions:
Inborn genetic diseases. Identifiers: MedGen C0950123, MeSH D030342.
Hyperphosphatasia with impaired intellectual development syndrome 2. Also called: GLYCOSYLPHOSPHATIDYLINOSITOL BIOSYNTHESIS DEFECT 6; Hyperphosphatasia with intellectual disability syndrome 2. Identifiers: Orphanet 247262, MedGen C3553637, MONDO:0013882, OMIM 614749.

Allele frequency attached by ClinVar (database versions not stated): gnomAD exomes 0.00006 and 0.00003; ExAC 0.00008; 1000 Genomes Project 0.00020; ESP Exome Variant Server 0.00031; TOPMed 0.00031; 1000 Genomes Project 30x 0.00016; gnomAD 0.00024.

Submissions (5):

Labcorp Genetics (formerly Invitae), Labcorp
Classification: Likely benign for Hyperphosphatasia with impaired intellectual development syndrome 2. Last evaluated: 2026-01-25. Review status: criteria provided, single submitter. Criteria: Invitae Variant Classification Sherloc (09022015). Collection method: clinical testing. Allele origin: germline.

GeneDx
Classification: Uncertain significance. Last evaluated: 2024-04-02. Review status: criteria provided, single submitter. Criteria: GeneDx Variant Classification Process June 2021. Collection method: clinical testing. Allele origin: germline. Affected: yes.
Comment: In silico analysis indicates that this missense variant does not alter protein structure/function; Has not been previously published as pathogenic or benign to our knowledge

Revvity Omics, Revvity
Classification: Uncertain significance for Hyperphosphatasia with impaired intellectual development syndrome 2. Last evaluated: 2021-11-15. Review status: criteria provided, single submitter. Criteria: ACMG Guidelines, 2015. Collection method: clinical testing. Allele origin: germline.

Ambry Genetics
Classification: Likely benign for Inborn genetic diseases. Last evaluated: 2021-07-20. Review status: criteria provided, single submitter. Criteria: Ambry Variant Classification Scheme 2023. Collection method: clinical testing. Allele origin: germline.

Baylor Genetics
Classification: Uncertain significance for Hyperphosphatasia with impaired intellectual development syndrome 2. Last evaluated: 2018-03-23. Review status: criteria provided, single submitter. Criteria: ACMG Guidelines, 2015. Collection method: clinical testing. Allele origin: paternal. Affected: yes.
Comment: This variant was determined to be of uncertain significance according to ACMG Guidelines, 2015 [PMID:25741868].

NM_032634.4(PIGO):c.2635G>A (p.Val879Ile)

Gene: PIGO (phosphatidylinositol glycan anchor biosynthesis class O; minus strand). Cytogenetic location: 9p13.3.
Variant type: single nucleotide variant.
Coding change: c.2635G>A on transcript NM_032634.4 (MANE Select); coding-DNA position 2635, G replaced by A.
Protein change: p.Val879Ile; replaces valine 879 with isoleucine.
Molecular consequence: missense variant.
Genome position (GRCh38, 1-based): chr9:35,091,252, C>T on the plus strand (G>A on the coding strand, the complement: PIGO is on the minus strand). VCF-style: chr9-35091252-C-T. GRCh37 (hg19) VCF-style: chr9-35091249-C-T.
Other names: c.1384G>A, p.Val462Ile (NM_001201484.2, NM_152850.4); short protein forms V879I, V462I.
Identifiers: ClinVar variation 450953 (VCV000450953.19), dbSNP rs139155910, ClinGen allele CA5040384.